The following is an entry in ClinVar:

ClinVar aggregate classification (germline): Uncertain significance (1 of 4 stars; one submission).

Conditions:
Werner syndrome (WRN). Identifiers: Orphanet 902, MedGen C0043119, MONDO:0010196, OMIM 277700.

Allele frequency attached by ClinVar (database versions not stated): gnomAD exomes below 0.00001.
gnomAD v4.1: 1 of 1,614,112 alleles (0.000062%); highest among the groups gnomAD compares: South Asian, 0.0011%; no homozygotes.

Submission:

Labcorp Genetics (formerly Invitae), Labcorp
Classification: Uncertain significance for Werner syndrome. Last evaluated: 2023-04-05. Review status: criteria provided, single submitter. Criteria: Invitae Variant Classification Sherloc (09022015). Collection method: clinical testing. Allele origin: germline.
Comment: This sequence change replaces arginine, which is basic and polar, with serine, which is neutral and polar, at codon 1200 of the WRN protein (p.Arg1200Ser). In summary, the available evidence is currently insufficient to determine the role of this variant in disease. Therefore, it has been classified as a Variant of Uncertain Significance. An algorithm developed to predict the effect of missense changes on protein structure and function (PolyPhen-2) suggests that this variant is likely to be disruptive. This variant has not been reported in the literature in individuals affected with WRN-related conditions. This variant is not present in population databases (gnomAD no frequency).

NM_000553.6(WRN):c.3600G>T (p.Arg1200Ser)

Gene: WRN (WRN RecQ like helicase; plus strand). Cytogenetic location: 8p12.
Variant type: single nucleotide variant.
Coding change: c.3600G>T on transcript NM_000553.6 (MANE Select); coding-DNA position 3600, G replaced by T.
Protein change: p.Arg1200Ser; replaces arginine 1200 with serine.
Molecular consequence: missense variant.
Genome position (GRCh38, 1-based): chr8:31,150,368, G>T. VCF-style: chr8-31150368-G-T. GRCh37 (hg19) VCF-style: chr8-31007884-G-T.
Other names: short protein forms R1200S.
Identifiers: ClinVar variation 2723603 (VCV002723603.3), dbSNP rs2536049471, ClinGen allele CA370927494.
Genomic context (GRCh38, chr8:31,150,368, plus strand): 5'-TTTTGTTGTTGTTGTTGTTGTTGTTAAACACAGACCAACTACGGTTGAAAACGTAAAAAG[G>T]ATTGATGGTGTTTCTGAAGGCAAAGCTGCCATGTTGGCCCCTCTGTTGGAAGTCATCAAA-3'
Protein context (NP_000544.2, residues 1190-1210): MRPTTVENVK[Arg1200Ser]IDGVSEGKAA